The following is an entry in ClinVar:

NM_017617.5(NOTCH1):c.3557A>T (p.Glu1186Val)

Gene: NOTCH1 (notch receptor 1; minus strand). Cytogenetic location: 9q34.3.
Variant type: single nucleotide variant.
Coding change: c.3557A>T on transcript NM_017617.5 (MANE Select); coding-DNA position 3557, A replaced by T.
Protein change: p.Glu1186Val; replaces glutamic acid 1186 with valine.
Molecular consequence: missense variant.
Genome position (GRCh38, 1-based): chr9:136,507,391, T>A on the plus strand (A>T on the coding strand, the complement: NOTCH1 is on the minus strand). VCF-style: chr9-136507391-T-A. GRCh37 (hg19) VCF-style: chr9-139401843-T-A.
Other names: short protein forms E1186V.
Identifiers: ClinVar variation 5017059 (VCV005017059.1).

ClinVar aggregate classification (germline): Uncertain significance (1 of 4 stars; one submission).

Submission:

GeneDx
Classification: Uncertain significance. Last evaluated: 2026-03-24. Review status: criteria provided, single submitter. Criteria: GeneDx Variant Classification Process June 2021. Collection method: clinical testing. Allele origin: germline.
Comment: Not observed at significant frequency in large population cohorts (gnomAD); In silico analysis supports that this missense variant has a deleterious effect on protein structure/function; Has not been previously published as pathogenic or benign to our knowledge